The following is an entry in ClinVar:

NC_012920.1(MT-ND5):m.12836C>T

Gene: MT-ND5 (mitochondrially encoded NADH dehydrogenase 5; plus strand).
Variant type: single nucleotide variant.
Genome position: chrM-12836-C-T.
Identifiers: ClinVar variation 693488 (VCV000693488.1), dbSNP rs1603223924, ClinGen allele CA414815101.

ClinVar aggregate classification (germline): Uncertain significance (1 of 4 stars; one submission).

Conditions:
Leigh syndrome (NULS). Also called: Leigh's necrotizing encephalopathy; Leigh's disease; Leigh Syndrome (mtDNA deletion); Leigh Disease; Subacute necrotizing encephalopathy; Necrotizing encephalopathy infantile subacute of Leigh. Identifiers: Orphanet 506, MedGen C2931891, MONDO:0009723, OMIM 256000.

Submission:

Wong Mito Lab, Molecular and Human Genetics, Baylor College of Medicine
Classification: Uncertain significance for Leigh syndrome. Last evaluated: 2019-10-17. Review status: criteria provided, single submitter. Criteria: Modified ACMG Guidelines (Unpublished). Collection method: clinical testing. Allele origin: germline.
Comment: The NC_012920.1:m.12836C>T (YP_003024036.1:p.Ala167Val) variant in MTND5 gene is interpretated to be a Uncertain Significance variant based on the modified ACMG guidelines (unpublished). This variant meets the following evidence codes: PP7